The following is an entry in ClinVar:

ClinVar aggregate classification (germline): Uncertain significance (1 of 4 stars; one submission).

Conditions:
EGFR-related lung cancer (EGFR). Identifiers: MedGen CN130014.

Submission:

Labcorp Genetics (formerly Invitae), Labcorp
Classification: Uncertain significance for EGFR-related lung cancer. Last evaluated: 2024-07-17. Review status: criteria provided, single submitter. Criteria: Invitae Variant Classification Sherloc (09022015). Collection method: clinical testing. Allele origin: germline.
Comment: This sequence change replaces glutamic acid, which is acidic and polar, with aspartic acid, which is acidic and polar, at codon 554 of the EGFR protein (p.Glu554Asp). This variant is not present in population databases (gnomAD no frequency). This variant has not been reported in the literature in individuals affected with EGFR-related conditions. Advanced modeling of protein sequence and biophysical properties (such as structural, functional, and spatial information, amino acid conservation, physicochemical variation, residue mobility, and thermodynamic stability) performed at Invitae indicates that this missense variant is not expected to disrupt EGFR protein function with a negative predictive value of 80%. In summary, the available evidence is currently insufficient to determine the role of this variant in disease. Therefore, it has been classified as a Variant of Uncertain Significance.

NM_005228.5(EGFR):c.1662G>C (p.Glu554Asp)

Gene: EGFR (epidermal growth factor receptor; plus strand). Cytogenetic location: 7p11.2.
Variant type: single nucleotide variant.
Coding change: c.1662G>C on transcript NM_005228.5 (MANE Select); coding-DNA position 1662, G replaced by C.
Protein change: p.Glu554Asp; replaces glutamic acid 554 with aspartic acid.
Molecular consequence: missense variant.
Genome position (GRCh38, 1-based): chr7:55,163,763, G>C. VCF-style: chr7-55163763-G-C. GRCh37 (hg19) VCF-style: chr7-55231456-G-C.
Other names: c.1527G>C, p.Glu509Asp (NM_001346897.2, NM_001346899.2); c.1662G>C, p.Glu554Asp (NM_001346898.2, NM_201282.2, NM_201284.2); c.1503G>C, p.Glu501Asp (NM_001346900.2); c.861G>C, p.Glu287Asp (NM_001346941.2); short protein forms E287D, E509D, E501D, E554D.
Identifiers: ClinVar variation 2759684 (VCV002759684.3), dbSNP rs2128944669, ClinGen allele CA367580466.